The following is an entry in ClinVar:

ClinVar aggregate classification (germline): Conflicting classifications of pathogenicity. Review status: criteria provided, conflicting classifications (1 of 4 stars). 9 submissions from 9 submitters: Uncertain significance (8); Likely benign (1). Last evaluated 2026-09-26.

Conditions:
MYH7-related disorder. Also called: MYH7-related condition; MYH7-related disease; MYH7-related disorders.
Myopathy, myosin storage, autosomal recessive (CMYO7B). Also called: CONGENITAL MYOPATHY 7B, MYOSIN STORAGE, AUTOSOMAL RECESSIVE. Identifiers: Orphanet 636970, MedGen C1850709, MONDO:0009708, OMIM 255160.
Dilated cardiomyopathy 1S (CMD1S). Identifiers: Orphanet 154, Orphanet 54260, MedGen C1834481, MONDO:0013262, OMIM 613426.
Hypertrophic cardiomyopathy 1 (CMH1). Also called: MYH7-Related Familial Hypertrophic Cardiomyopathy; Familial hypertrophic cardiomyopathy 1. Identifiers: MedGen C3495498, MONDO:0008647, OMIM 192600.
MYH7-related skeletal myopathy. Also called: Myopathy, distal, 1; Laing distal myopathy; Laing early-onset distal myopathy; MYOPATHY, DISTAL, EARLY-ONSET, AUTOSOMAL DOMINANT; MYOPATHY, LATE DISTAL HEREDITARY. Identifiers: Orphanet 59135, MedGen C4552004, MONDO:0008050, OMIM 160500.
Myosin storage myopathy (CMYO7A). Also called: MYH7-related late-onset scapuloperoneal muscular dystrophy; Congenital myopathy 7A, myosin storage, autosomal dominant; MYOPATHY, HYALINE BODY, AUTOSOMAL DOMINANT; SCAPULOPERONEAL MUSCULAR DYSTROPHY; SCAPULOPERONEAL SYNDROME, MYOPATHIC TYPE; Scapuloperoneal myopathy, MYH7-related. Identifiers: Orphanet 437572, Orphanet 636965, MedGen C1842160, MONDO:0008409, OMIM 608358.
Congenital myopathy with fiber type disproportion. Also called: Congenital fiber-type disproportion myopathy; Congenital fiber-type disproportion. Identifiers: Orphanet 2020, MedGen C0546264, MONDO:0009711. Inheritance: all.
Cardiovascular phenotype. Identifiers: MedGen CN230736.
Cardiomyopathy (CMYO). Also called: Cardiomyopathies. Identifiers: Orphanet 167848, MedGen C0878544, MONDO:0004994, HP:0001638. Inheritance: Various modes of inheritance.
Hypertrophic cardiomyopathy. Also called: HYPERTROPHIC MYOCARDIOPATHY. Identifiers: Orphanet 217569, MedGen C0007194, MeSH D002312, MONDO:0005045, HP:0001639.

Allele frequency attached by ClinVar (database versions not stated): gnomAD 0.00003 and 0.00004; gnomAD exomes 0.00003 and 0.00004; ExAC 0.00006; TOPMed 0.00006.

Submissions (9):

PreventionGenetics, part of Exact Sciences
Classification: Uncertain significance for MYH7-related condition. Last evaluated: 2026-09-26. Review status: criteria provided, single submitter. Criteria: ACMG Guidelines, 2015. Collection method: clinical testing. Allele origin: germline.
Comment: The MYH7 c.4772T>A variant is predicted to result in the amino acid substitution p.Leu1591Gln. This variant has been reported in an individual who experienced sudden unexplained death in childhood (Campuzano et al. 2014. PubMed ID: 25447171); however, this individual and multiple affected relatives were also heterozygous for a PKP2 nonsense variant (p.Arg413*) that investigators reported as the most likely genetic cause of disease (Campuzano et al. 2015. PubMed ID: 26718681). This variant is reported in 0.0062% of alleles in individuals of African descent in gnomAD. An alternate missense variant of the same amino acid (p.Leu1591Pro) has also been reported to segregate with disease in a family with Laing distal myopathy (Tasca et al. 2012. PubMed ID: 22521714). At this time, the clinical significance of the p.Leu1591Gln variant is uncertain due to the absence of conclusive functional and genetic evidence.

Labcorp Genetics (formerly Invitae), Labcorp
Classification: Uncertain significance for Hypertrophic cardiomyopathy. Last evaluated: 2026-01-31. Review status: criteria provided, single submitter. Criteria: Invitae Variant Classification Sherloc (09022015). Collection method: clinical testing. Allele origin: germline.
Comment: This sequence change replaces leucine, which is neutral and non-polar, with glutamine, which is neutral and polar, at codon 1591 of the MYH7 protein (p.Leu1591Gln). This variant is present in population databases (rs730880808, gnomAD 0.007%). This missense change has been observed in individual(s) with Laing distal myopathy (PMID: 22918376). ClinVar contains an entry for this variant (Variation ID: 181265). Invitae Evidence Modeling of protein sequence and biophysical properties (such as structural, functional, and spatial information, amino acid conservation, physicochemical variation, residue mobility, and thermodynamic stability) indicates that this missense variant is not expected to disrupt MYH7 protein function with a negative predictive value of 95%. In summary, the available evidence is currently insufficient to determine the role of this variant in disease. Therefore, it has been classified as a Variant of Uncertain Significance.

Color Diagnostics, LLC DBA Color Health
Classification: Likely benign for Cardiomyopathy. Last evaluated: 2025-11-05. Review status: criteria provided, single submitter. Criteria: ACMG Guidelines, 2015. Collection method: clinical testing. Allele origin: germline.

Ambry Genetics
Classification: Uncertain significance for Cardiovascular phenotype. Last evaluated: 2024-12-03. Review status: criteria provided, single submitter. Criteria: Ambry Variant Classification Scheme 2023. Collection method: clinical testing. Allele origin: germline.
Comment: The p.L1591Q variant (also known as c.4772T>A), located in coding exon 32 of the MYH7 gene, results from a T to A substitution at nucleotide position 4772. The leucine at codon 1591 is replaced by glutamine, an amino acid with dissimilar properties. This alteration has been reported in at least two cases of sudden cardiac death and has been seen in at least one hypertrophic cardiomyopathy (HCM) cohort (Campuzano O et al. Front Genet, 2019 May; Yamaguchi-Kabata Y et al. J Hum Genet, 2018 Feb;63:213-230; 10:450; Homburger JR et al. Proc Natl Acad Sci U S A, 2016 06;113:6701-6; Campuzano O et al. J. Am. Coll. Cardiol., 2015 Dec;66:2913-2914; Campuzano O et al. Forensic Sci Int, 2014 12;245:30-7). This amino acid position is not well conserved in available vertebrate species. In addition, this alteration is predicted to be tolerated by in silico analysis. Since supporting evidence is limited at this time, the clinical significance of this alteration remains unclear.

All of Us Research Program, National Institutes of Health
Classification: Uncertain significance for Cardiomyopathy. Last evaluated: 2024-01-11. Review status: criteria provided, single submitter. Criteria: ACMG Guidelines, 2015. Collection method: clinical testing. Allele origin: germline. Inheritance: Autosomal dominant inheritance. Observed: 13 variant alleles, 13 heterozygotes.
Comment: This missense variant replaces leucine with glutamine at codon 1591 of the MYH7 protein. Computational prediction suggests that this variant may not impact protein structure and function (internally defined REVEL score threshold <= 0.5, PMID: 27666373). To our knowledge, functional studies have not been reported for this variant. This variant has been reported in an individual affected with sudden cardiac death and myocarditis (PMID 25447171). This individual and six relatives diagnosed with arrhythmogenic cardiomyopathy all carried a pathogenic truncation variant in the PKP2 gene that could explain the observed phenotype in this family (PMID: 31156706). This variant has been identified in 10/251476 chromosomes in the general population by the Genome Aggregation Database (gnomAD). The available evidence is insufficient to determine the role of this variant in disease conclusively. Therefore, this variant is classified as a Variant of Uncertain Significance.

This study involves interpretation of variants in research participants for the purpose of population health screening. Participant phenotype was not available at the time of variant classification. Additional details can be found in publication PMID: 35346344, PMCID: PMC8962531

Blueprint Genetics
Classification: Uncertain significance. Last evaluated: 2022-03-16. Review status: criteria provided, single submitter. Criteria: ACMG Guidelines, 2015. Collection method: clinical testing. Allele origin: germline.

Revvity Omics, Revvity
Classification: Uncertain significance. Last evaluated: 2022-03-07. Review status: criteria provided, single submitter. Criteria: ACMG Guidelines, 2015. Collection method: clinical testing. Allele origin: germline.

Fulgent Genetics
Classification: Uncertain significance for MYH7-related skeletal myopathy; Myosin storage myopathy; Hypertrophic cardiomyopathy 1; Myopathy, myosin storage, autosomal recessive; Congenital myopathy 4A, autosomal dominant; Dilated cardiomyopathy 1S. Last evaluated: 2021-09-01. Review status: criteria provided, single submitter. Criteria: ACMG Guidelines, 2015. Collection method: clinical testing. Allele origin: unknown.

CHEO Genetics Diagnostic Laboratory, Children's Hospital of Eastern Ontario
Classification: Uncertain significance for Cardiomyopathy. Last evaluated: 2020-12-21. Review status: criteria provided, single submitter. Criteria: ACMG Guidelines, 2015. Collection method: clinical testing. Allele origin: germline.

Literature cited by the submitters: PubMed 22918376 (cited by Labcorp Genetics (formerly Invitae), Labcorp); PubMed 25447171 (cited by Ambry Genetics); PubMed 26718681 (cited by Ambry Genetics); PubMed 27247418 (cited by Ambry Genetics); PubMed 29192238 (cited by Ambry Genetics); PubMed 31156706 (cited by Ambry Genetics and All of Us Research Program, National Institutes of Health); PubMed 38398418 (cited by Ambry Genetics).

NM_000257.4(MYH7):c.4772T>A (p.Leu1591Gln)

Genes: MHRT (myosin heavy chain associated RNA transcript; plus strand), MYH7 (myosin heavy chain 7; minus strand), LOC126861897 (BRD4-independent group 4 enhancer GRCh37_chr14:23884455-23885654; plus strand). Cytogenetic location: 14q11.2.
Variant type: single nucleotide variant.
Coding change: c.4772T>A on transcript NM_000257.4 (MANE Select); coding-DNA position 4772, T replaced by A.
Protein change: p.Leu1591Gln; replaces leucine 1591 with glutamine.
Molecular consequence: missense variant. On other transcripts: non-coding transcript variant (1).
Genome position (GRCh38, 1-based): chr14:23,416,185, A>T on the plus strand (T>A on the coding strand, the complement: MYH7 is on the minus strand). VCF-style: chr14-23416185-A-T. GRCh37 (hg19) VCF-style: chr14-23885394-A-T.
Other names: short protein forms L1591Q.
Identifiers: ClinVar variation 181265 (VCV000181265.26), dbSNP rs730880808, ClinGen allele CA015292.